The following is an entry in ClinVar:

NM_001378454.1(ALMS1):c.6028G>A (p.Glu2010Lys)

Gene: ALMS1 (ALMS1 centrosome and basal body associated protein; plus strand). Cytogenetic location: 2p13.1.
Variant type: single nucleotide variant.
Coding change: c.6028G>A on transcript NM_001378454.1 (MANE Select); coding-DNA position 6028, G replaced by A.
Protein change: p.Glu2010Lys; replaces glutamic acid 2010 with lysine.
Molecular consequence: missense variant.
Genome position (GRCh38, 1-based): chr2:73,452,555, G>A. VCF-style: chr2-73452555-G-A. GRCh37 (hg19) VCF-style: chr2-73679682-G-A.
Other names: c.6031G>A, p.Glu2011Lys (NM_015120.4); short protein forms E2010K, E2011K.
Identifiers: ClinVar variation 4745218 (VCV004745218.1).

ClinVar aggregate classification (germline): Uncertain significance (1 of 4 stars; one submission).

Conditions:
Alstrom syndrome (ALMS). Identifiers: Orphanet 64, MedGen C0268425, MONDO:0008763, OMIM 203800.

gnomAD v4.1: 1 of 1,614,034 alleles (0.000062%); highest among the groups gnomAD compares: South Asian, 0.0011%; no homozygotes.

Submission:

Labcorp Genetics (formerly Invitae), Labcorp
Classification: Uncertain significance for Alstrom syndrome. Last evaluated: 2025-09-25. Review status: criteria provided, single submitter. Criteria: Invitae Variant Classification Sherloc (09022015). Collection method: clinical testing. Allele origin: germline.
Comment: This sequence change replaces glutamic acid, which is acidic and polar, with lysine, which is basic and polar, at codon 2011 of the ALMS1 protein (p.Glu2011Lys). This variant is present in population databases (no rsID available, gnomAD 0.003%). This variant has not been reported in the literature in individuals affected with ALMS1-related conditions. Experimental studies and prediction algorithms are not available or were not evaluated, and the functional significance of this variant is currently unknown. In summary, the available evidence is currently insufficient to determine the role of this variant in disease. Therefore, it has been classified as a Variant of Uncertain Significance.